The following is an entry in ClinVar:

NM_001421.4(ELF4):c.1238C>T (p.Ser413Leu)

Gene: ELF4 (E74 like ETS transcription factor 4; minus strand). Cytogenetic location: Xq26.1.
Variant type: single nucleotide variant.
Coding change: c.1238C>T on transcript NM_001421.4 (MANE Select); coding-DNA position 1238, C replaced by T.
Protein change: p.Ser413Leu; replaces serine 413 with leucine.
Molecular consequence: missense variant.
Genome position (GRCh38, 1-based): chrX:130,067,475, G>A on the plus strand (C>T on the coding strand, the complement: ELF4 is on the minus strand). VCF-style: chrX-130067475-G-A. GRCh37 (hg19) VCF-style: chrX-129201450-G-A.
Other names: c.1238C>T, p.Ser413Leu (NM_001127197.2); short protein forms S413L.
Identifiers: ClinVar variation 3088241 (VCV003088241.3), dbSNP rs201000718, ClinGen allele CA10514968.

ClinVar aggregate classification (germline): Uncertain significance. Review status: criteria provided, multiple submitters, no conflicts (2 of 4 stars). 2 submissions from 2 submitters: Uncertain significance (2). Last evaluated 2026-01-06.

Allele frequency attached by ClinVar (database versions not stated): ExAC 0.00002; 1000 Genomes Project 30x 0.00021; 1000 Genomes Project 0.00026; gnomAD 0.00040; TOPMed 0.00093.
gnomAD v4.1: 90 of 1,210,212 alleles (0.0074%); highest among the groups gnomAD compares: Admixed American, 0.13%; 1 homozygote.

Submissions (2):

Women's Health and Genetics/Laboratory Corporation of America, LabCorp
Classification: Uncertain significance. Last evaluated: 2026-01-06. Review status: criteria provided, single submitter. Criteria: LabCorp Variant Classification Summary - May 2015. Collection method: clinical testing. Allele origin: germline.
Comment: Variant summary: ELF4 c.1238C>T (p.Ser413Leu) results in a non-conservative amino acid change in the encoded protein sequence. Algorithms developed to predict the effect of missense changes on protein structure and function are either unavailable or do not agree on the potential impact of this missense change. The variant allele was found at a frequency of 2.8e-05 in 181486 control chromosomes. The available data on variant occurrences in the general population are insufficient to allow any conclusion about variant significance. To our knowledge, no occurrence of c.1238C>T in individuals affected with ELF4-related conditions and no experimental evidence demonstrating its impact on protein function have been reported. ClinVar contains an entry for this variant (Variation ID: 3088241). Based on the evidence outlined above, the variant was classified as uncertain significance.

Ambry Genetics
Classification: Uncertain significance. Last evaluated: 2024-05-09. Review status: criteria provided, single submitter. Criteria: Ambry Variant Classification Scheme 2023. Collection method: clinical testing. Allele origin: germline.